The following is an entry in ClinVar:

ClinVar aggregate classification (germline): Uncertain significance (1 of 4 stars; one submission).

Conditions:
EP300-related disorder. Also called: EP300-related condition; EP300-related disorders.

gnomAD v4.1: 1 of 1,614,142 alleles (0.000062%); no homozygotes.

Submission:

PreventionGenetics, part of Exact Sciences
Classification: Uncertain significance for EP300-related condition. Last evaluated: 2025-10-01. Review status: criteria provided, single submitter. Criteria: ACMG Guidelines, 2015. Collection method: clinical testing. Allele origin: germline.
Comment: The EP300 c.6940C>G variant is predicted to result in the amino acid substitution p.Pro2314Ala. To our knowledge, this variant has not been reported in the literature or in a large population database (gnomAD), indicating this variant is rare. At this time, the clinical significance of this variant is uncertain due to the absence of conclusive functional and genetic evidence.

NM_001429.4(EP300):c.6940C>G (p.Pro2314Ala)

Gene: EP300 (EP300 lysine acetyltransferase; plus strand). Cytogenetic location: 22q13.2.
Variant type: single nucleotide variant.
Coding change: c.6940C>G on transcript NM_001429.4 (MANE Select); coding-DNA position 6940, C replaced by G.
Protein change: p.Pro2314Ala; replaces proline 2314 with alanine.
Molecular consequence: missense variant.
Genome position (GRCh38, 1-based): chr22:41,178,651, C>G. VCF-style: chr22-41178651-C-G. GRCh37 (hg19) VCF-style: chr22-41574655-C-G.
Other names: c.6862C>G, p.Pro2288Ala (NM_001362843.2); short protein forms P2314A, P2288A.
Identifiers: ClinVar variation 4990832 (VCV004990832.1).